The following is an entry in ClinVar:

ClinVar aggregate classification (germline): Uncertain significance (1 of 4 stars; one submission).

Conditions:
Inborn genetic diseases. Identifiers: MedGen C0950123, MeSH D030342.

Submission:

Ambry Genetics
Classification: Uncertain significance for Inborn genetic diseases. Last evaluated: 2022-02-08. Review status: criteria provided, single submitter. Criteria: Ambry Variant Classification Scheme 2023. Collection method: clinical testing. Allele origin: germline.
Comment: The p.A421E variant (also known as c.1262C>A), located in coding exon 11 of the LRRK2 gene, results from a C to A substitution at nucleotide position 1262. The alanine at codon 421 is replaced by glutamic acid, an amino acid with dissimilar properties. This amino acid position is conserved. In addition, the in silico prediction for this alteration is inconclusive. Since supporting evidence is limited at this time, the clinical significance of this alteration remains unclear.

NM_198578.4(LRRK2):c.1262C>A (p.Ala421Glu)

Gene: LRRK2 (leucine rich repeat kinase 2; plus strand). Cytogenetic location: 12q12.
Variant type: single nucleotide variant.
Coding change: c.1262C>A on transcript NM_198578.4 (MANE Select); coding-DNA position 1262, C replaced by A.
Protein change: p.Ala421Glu; replaces alanine 421 with glutamic acid.
Molecular consequence: missense variant.
Genome position (GRCh38, 1-based): chr12:40,252,990, C>A. VCF-style: chr12-40252990-C-A. GRCh37 (hg19) VCF-style: chr12-40646792-C-A.
Other names: short protein forms A421E.
Identifiers: ClinVar variation 1763409 (VCV001763409.2), dbSNP rs866931784, ClinGen allele CA235358414.